The following is an entry in ClinVar:

ClinVar aggregate classification (germline): Conflicting classifications of pathogenicity. Review status: criteria provided, conflicting classifications (1 of 4 stars). 6 submissions from 6 submitters: Uncertain significance (2); Likely benign (3). 1 of the submissions does not count toward it. Last evaluated 2026-01-06.

Conditions:
KCNJ10-related disorder. Also called: KCNJ10-related disorders; KCNJ10-related condition. Identifiers: MedGen CN239321.
Inborn genetic diseases. Identifiers: MedGen C0950123, MeSH D030342.
EAST syndrome (SESAMES). Also called: SEIZURES, SENSORINEURAL DEAFNESS, ATAXIA, IMPAIRED INTELLECTUAL DEVELOPMENT, AND ELECTROLYTE IMBALANCE. Identifiers: Orphanet 199343, MedGen C2748572, MONDO:0013005, OMIM 612780.

Allele frequency attached by ClinVar (database versions not stated): gnomAD exomes 0.00007 and 0.00013; ExAC 0.00008; TOPMed 0.00012; gnomAD 0.00013 and 0.00014; ESP Exome Variant Server 0.00015; 1000 Genomes Project 30x 0.00016; 1000 Genomes Project 0.00020.

Submissions (6):

Labcorp Genetics (formerly Invitae), Labcorp
Classification: Likely benign for EAST syndrome. Last evaluated: 2026-01-06. Review status: criteria provided, single submitter. Criteria: Invitae Variant Classification Sherloc (09022015). Collection method: clinical testing. Allele origin: germline.

Blueprint Genetics
Classification: Uncertain significance. Last evaluated: 2024-04-13. Review status: criteria provided, single submitter. Criteria: ACMG Guidelines, 2015. Collection method: clinical testing. Allele origin: germline.

Ambry Genetics
Classification: Likely benign for Inborn genetic diseases. Last evaluated: 2023-10-19. Review status: criteria provided, single submitter. Criteria: Ambry Variant Classification Scheme 2023. Collection method: clinical testing. Allele origin: germline.

GeneDx
Classification: Likely benign. Last evaluated: 2020-05-04. Review status: criteria provided, single submitter. Criteria: GeneDx Variant Classification Process June 2021. Collection method: clinical testing. Allele origin: germline. Affected: yes.

Eurofins Ntd Llc (ga)
Classification: Uncertain significance. Last evaluated: 2016-09-15. Review status: criteria provided, single submitter. Criteria: EGL Classification Definitions 2015. Collection method: clinical testing. Allele origin: germline. Observed: 1 variant allele, 1 heterozygote.

PreventionGenetics, part of Exact Sciences
Classification: Uncertain significance for KCNJ10-related condition. Last evaluated: 2023-10-27. Review status: no assertion criteria provided. Collection method: clinical testing. Allele origin: germline. Not counted in ClinVar's aggregate classification.
Comment: The KCNJ10 c.688C>T variant is predicted to result in the amino acid substitution p.Arg230Trp. To our knowledge, this variant has not been reported in the literature. This variant is reported in 0.068% of alleles in individuals of European (Finnish) descent in gnomAD. At this time, the clinical significance of this variant is uncertain due to the absence of conclusive functional and genetic evidence.

NM_002241.5(KCNJ10):c.688C>T (p.Arg230Trp)

Gene: KCNJ10 (potassium inwardly rectifying channel subfamily J member 10; minus strand). Cytogenetic location: 1q23.2.
Variant type: single nucleotide variant.
Coding change: c.688C>T on transcript NM_002241.5 (MANE Select); coding-DNA position 688, C replaced by T.
Protein change: p.Arg230Trp; replaces arginine 230 with tryptophan.
Molecular consequence: missense variant.
Genome position (GRCh38, 1-based): chr1:160,041,845, G>A on the plus strand (C>T on the coding strand, the complement: KCNJ10 is on the minus strand). VCF-style: chr1-160041845-G-A. GRCh37 (hg19) VCF-style: chr1-160011635-G-A.
Other names: p.R230W:CGG>TGG; short protein forms R230W.
Identifiers: ClinVar variation 205821 (VCV000205821.22), dbSNP rs149615470, ClinGen allele CA315269.
Genomic context (GRCh38, chr1:160,041,845, plus strand): 5'-TAAGGAAGGGGCTGTCAGAGGCTGTGTCTACTTGGAAAGTCACATTGACCTGGTTGAGCC[G>A]GATGTTCTCCCCTTCCTTGGTTTGGTGGGTCTGAAGCAGTTTTCCTGTCACCTGGCAGCC-3'
Protein context (NP_002232.2, residues 220-240): THQTKEGENI[Arg230Trp]LNQVNVTFQV